The following is an entry in ClinVar:

ClinVar aggregate classification (germline): Uncertain significance (1 of 4 stars; one submission).

Submission:

Ambry Genetics
Classification: Uncertain significance. Last evaluated: 2022-01-24. Review status: criteria provided, single submitter. Criteria: Ambry Variant Classification Scheme 2023. Collection method: clinical testing. Allele origin: germline.
Comment: The c.304_308delGTAAC variant, located in coding exon 3 of the RECQL gene, results from a deletion of 5 nucleotides at nucleotide positions 304 to 308, causing a translational frameshift with a predicted alternate stop codon (p.V102Nfs*62). This alteration is expected to result in loss of function by premature protein truncation or nonsense-mediated mRNA decay. The evidence for this gene-disease relationship is limited; therefore, the clinical significance of this alteration is unclear.

NM_002907.4(RECQL):c.304_308del (p.Val102fs)

Gene: RECQL (RecQ like helicase; minus strand). Cytogenetic location: 12p12.1.
Variant type: Deletion.
Coding change: c.304_308del on transcript NM_002907.4 (MANE Select); coding-DNA positions 304 to 308, 5 bases deleted (GTAAC; older notation c.304_308delGTAAC).
Protein change: p.Val102fs; shifts the reading frame from valine 102.
Molecular consequence: frameshift variant.
Genome position (GRCh38, 1-based): chr12:21,490,285-21,490,289, GTTAC deleted on the plus strand (GTAAC on the coding strand, the reverse complement: RECQL is on the minus strand); deleting any 5 consecutive bases within chr12:21,490,285-21,490,293 gives the same sequence; the c. name uses the placement nearest the transcript's 3' end. VCF-style (leftmost placement, unchanged base first): chr12-21490284-TGTTAC-T. GRCh37 (hg19) VCF-style: chr12-21643218-TGTTAC-T.
Other names: c.304_308del, p.Val102fs (NM_032941.3); short protein forms V102fs.
Identifiers: ClinVar variation 1799156 (VCV001799156.2), dbSNP rs2540399826, ClinGen allele CA2575097784.
Genomic context (GRCh38, chr12:21,490,284, plus strand): 5'-GTAACATAAGCTCTTTCCACCTCCTGTAGGCATAACAAGAAATACCTCCTTTCCAGCCAT[TGTTAC>T]GTTAATAGTTTCAAGCTGAAGTGGTCTGAACTTTTCCAGTTTAAAGACATTTTGCAGAAT-3'